The following is an entry in ClinVar:

NM_182760.4(SUMF1):c.361A>G (p.Ile121Val)

Gene: SUMF1 (sulfatase modifying factor 1; minus strand). Cytogenetic location: 3p26.1.
Variant type: single nucleotide variant.
Coding change: c.361A>G on transcript NM_182760.4 (MANE Select); coding-DNA position 361, A replaced by G.
Protein change: p.Ile121Val; replaces isoleucine 121 with valine.
Molecular consequence: missense variant.
Genome position (GRCh38, 1-based): chr3:4,452,959, T>C on the plus strand (A>G on the coding strand, the complement: SUMF1 is on the minus strand). VCF-style: chr3-4452959-T-C. GRCh37 (hg19) VCF-style: chr3-4494643-T-C.
Other names: c.361A>G, p.Ile121Val (NM_001164674.2, NM_001164675.2); short protein forms I121V.
Identifiers: ClinVar variation 1991678 (VCV001991678.1), dbSNP rs762803103, ClinGen allele CA2230629.

ClinVar aggregate classification (germline): Uncertain significance (1 of 4 stars; one submission).

Conditions:
Multiple sulfatase deficiency (MSD). Also called: Mucosulfatidosis; Multiple Sulfatase Deficiency Disease; Sulfatidosis, Juvenile, Austin Type. Identifiers: Orphanet 585, MedGen C0268263, MONDO:0010088, OMIM 272200.

Allele frequency attached by ClinVar (database versions not stated): ExAC 0.00001; gnomAD exomes 0.00001; TOPMed 0.00001.
gnomAD v4.1: 3 of 1,614,186 alleles (0.00019%); highest among the groups gnomAD compares: East Asian, 0.0067%; no homozygotes.

Submission:

Labcorp Genetics (formerly Invitae), Labcorp
Classification: Uncertain significance for Multiple sulfatase deficiency. Last evaluated: 2021-10-14. Review status: criteria provided, single submitter. Criteria: Invitae Variant Classification Sherloc (09022015). Collection method: clinical testing. Allele origin: germline.
Comment: This sequence change replaces isoleucine with valine at codon 121 of the SUMF1 protein (p.Ile121Val). The isoleucine residue is weakly conserved and there is a small physicochemical difference between isoleucine and valine. This variant is present in population databases (rs762803103, ExAC 0.01%). This variant has not been reported in the literature in individuals affected with SUMF1-related conditions. Algorithms developed to predict the effect of missense changes on protein structure and function output the following: SIFT: "Tolerated"; PolyPhen-2: "Benign"; Align-GVGD: "Class C0". The valine amino acid residue is found in multiple mammalian species, which suggests that this missense change does not adversely affect protein function. In summary, the available evidence is currently insufficient to determine the role of this variant in disease. Therefore, it has been classified as a Variant of Uncertain Significance.